The following is an entry in ClinVar:

NM_177438.3(DICER1):c.2716C>A (p.Arg906Ser)

Gene: DICER1 (dicer 1, ribonuclease III; minus strand). Cytogenetic location: 14q32.13.
Variant type: single nucleotide variant.
Coding change: c.2716C>A on transcript NM_177438.3 (MANE Select); coding-DNA position 2716, C replaced by A.
Protein change: p.Arg906Ser; replaces arginine 906 with serine.
Molecular consequence: missense variant. On other transcripts: non-coding transcript variant (6).
Genome position (GRCh38, 1-based): chr14:95,107,696, G>T on the plus strand (C>A on the coding strand, the complement: DICER1 is on the minus strand). VCF-style: chr14-95107696-G-T. GRCh37 (hg19) VCF-style: chr14-95574033-G-T.
Other names: c.2716C>A, p.Arg906Ser (NM_001195573.1, NM_001395684.1, NM_001395692.1 and 12 more transcripts); c.2434C>A, p.Arg812Ser (NM_001395686.1); c.2311C>A, p.Arg771Ser (NM_001395687.1, NM_001395688.1, NM_001395689.1 and 2 more transcripts); c.2149C>A, p.Arg717Ser (NM_001395691.1); c.1033C>A, p.Arg345Ser (NM_001395697.1); short protein forms R717S, R345S, R906S, R771S, R812S.
Identifiers: ClinVar variation 3656552 (VCV003656552.2).

ClinVar aggregate classification (germline): Uncertain significance (1 of 4 stars; one submission).

Conditions:
DICER1-related tumor predisposition. Also called: DICER1-related pleuropulmonary blastoma cancer predisposition syndrome; DICER1 syndrome. Identifiers: Orphanet 284343, MedGen C3839822, MONDO:0100216.

Submission:

Labcorp Genetics (formerly Invitae), Labcorp
Classification: Uncertain significance for DICER1-related tumor predisposition. Last evaluated: 2024-06-13. Review status: criteria provided, single submitter. Criteria: Invitae Variant Classification Sherloc (09022015). Collection method: clinical testing. Allele origin: germline.
Comment: This sequence change replaces arginine, which is basic and polar, with serine, which is neutral and polar, at codon 906 of the DICER1 protein (p.Arg906Ser). This variant is not present in population databases (gnomAD no frequency). This variant has not been reported in the literature in individuals affected with DICER1-related conditions. Advanced modeling of protein sequence and biophysical properties (such as structural, functional, and spatial information, amino acid conservation, physicochemical variation, residue mobility, and thermodynamic stability) performed at Invitae indicates that this missense variant is not expected to disrupt DICER1 protein function with a negative predictive value of 80%. In summary, the available evidence is currently insufficient to determine the role of this variant in disease. Therefore, it has been classified as a Variant of Uncertain Significance.